The following is an entry in ClinVar:

NM_005751.5(AKAP9):c.1870_1871del (p.Arg624fs)

Gene: AKAP9 (A-kinase anchoring protein 9; plus strand). Cytogenetic location: 7q21.2.
Variant type: Microsatellite.
Coding change: c.1870_1871del on transcript NM_005751.5 (MANE Select); coding-DNA positions 1870 to 1871, 2 bases deleted (AG; older notation c.1870_1871delAG).
Protein change: p.Arg624fs; shifts the reading frame from arginine 624.
Molecular consequence: frameshift variant.
Genome position (GRCh38, 1-based): chr7:92,001,787-92,001,788, AG deleted; deleting any 2 consecutive bases within chr7:92,001,783-92,001,788 gives the same sequence; the c. name uses the placement nearest the transcript's 3' end. VCF-style (leftmost placement, unchanged base first): chr7-92001782-TAG-T. GRCh37 (hg19) VCF-style: chr7-91631096-TAG-T.
Other names: c.1870_1871delAG (NM_005751.4); c.1870_1871del, p.Arg624fs (NM_147185.3); short protein forms R624fs.
Identifiers: ClinVar variation 1677565 (VCV001677565.4), dbSNP rs754882162, ClinGen allele CA4336066.
Genomic context (GRCh38, chr7:92,001,782, plus strand): 5'-TGTTAGAAAAAGAAAAGAATGCTGTGTTAGACAGAATGGCTGAATCACAAGAAGCTGAAT[TAG>T]AGAGGCTGAGAACACAGCTTCTATTTAGTCACGAAGAAGAGCTTTCCAAACTGAAGGAAG-3'

ClinVar aggregate classification (germline): Uncertain significance. Review status: criteria provided, multiple submitters, no conflicts (2 of 4 stars). 3 submissions from 3 submitters: Uncertain significance (3). Last evaluated 2025-05-15.

Conditions:
Cardiovascular phenotype. Identifiers: MedGen CN230736.
Long QT syndrome 11 (LQT11). Identifiers: Orphanet 101016, Orphanet 768, MedGen C2678483, MONDO:0012738, OMIM 611820.

Submissions (3):

Ambry Genetics
Classification: Uncertain significance for Cardiovascular phenotype. Last evaluated: 2025-05-15. Review status: criteria provided, single submitter. Criteria: Ambry Variant Classification Scheme 2023. Collection method: clinical testing. Allele origin: germline.
Comment: The c.1870_1871delAG variant, located in coding exon 8 of the AKAP9 gene, results from a deletion of two nucleotides at nucleotide positions 1870 to 1871, causing a translational frameshift with a predicted alternate stop codon (p.R624Afs*8). This alteration is expected to result in protein truncation or nonsense-mediated mRNA decay. However, loss of function of AKAP9 has not been established as a mechanism of disease. The evidence for this gene-disease relationship is limited; therefore, the clinical significance of this alteration is unclear.

Fulgent Genetics
Classification: Uncertain significance for Long QT syndrome 11. Last evaluated: 2021-11-17. Review status: criteria provided, single submitter. Criteria: ACMG Guidelines, 2015. Collection method: clinical testing. Allele origin: unknown.

AiLife Diagnostics
Classification: Uncertain significance. Last evaluated: 2021-10-12. Review status: criteria provided, single submitter. Criteria: ACMG Guidelines, 2015. Collection method: clinical testing. Allele origin: germline. Affected: yes. Observed: 1 variant allele.